The following is an entry in ClinVar:

ClinVar aggregate classification (germline): Uncertain significance (1 of 4 stars; one submission).

Submission:

Labcorp Genetics (formerly Invitae), Labcorp
Classification: Uncertain significance. Last evaluated: 2024-02-26. Review status: criteria provided, single submitter. Criteria: Invitae Variant Classification Sherloc (09022015). Collection method: clinical testing. Allele origin: germline.
Comment: This sequence change replaces valine, which is neutral and non-polar, with methionine, which is neutral and non-polar, at codon 197 of the NYX protein (p.Val197Met). The frequency data for this variant in the population databases is considered unreliable, as metrics indicate insufficient coverage at this position in the gnomAD database. This variant has not been reported in the literature in individuals affected with NYX-related conditions. Advanced modeling of protein sequence and biophysical properties (such as structural, functional, and spatial information, amino acid conservation, physicochemical variation, residue mobility, and thermodynamic stability) performed at Invitae indicates that this missense variant is not expected to disrupt NYX protein function with a negative predictive value of 80%. In summary, the available evidence is currently insufficient to determine the role of this variant in disease. Therefore, it has been classified as a Variant of Uncertain Significance.

NM_001378477.3(NYX):c.574G>A (p.Val192Met)

Gene: NYX (nyctalopin; plus strand). Cytogenetic location: Xp11.4.
Variant type: single nucleotide variant.
Coding change: c.574G>A on transcript NM_001378477.3 (MANE Select); coding-DNA position 574, G replaced by A.
Protein change: p.Val192Met; replaces valine 192 with methionine.
Molecular consequence: missense variant.
Genome position (GRCh38, 1-based): chrX:41,474,042, G>A. VCF-style: chrX-41474042-G-A. GRCh37 (hg19) VCF-style: chrX-41333295-G-A.
Other names: c.574G>A, p.Val192Met (NM_022567.3); short protein forms V192M.
Identifiers: ClinVar variation 3679348 (VCV003679348.2).
Genomic context (GRCh38, chrX:41,474,042, plus strand): 5'-GCGCTGCGCGGCCTGGCCAACCTGACGCACGCGCACCTGGAGCGCGGCCGCATCGAGGCG[G>A]TGGCCTCCAGCTCGCTGCAGGGCCTGCGCCGCCTGCGCTCGCTCAGCCTGCAGGCCAACC-3'
Protein context (NP_001365406.2, residues 182-202): AHLERGRIEA[Val192Met]ASSSLQGLRR